The following is an entry in ClinVar:

ClinVar aggregate classification (germline): Uncertain significance (1 of 4 stars; one submission).

Allele frequency attached by ClinVar (database versions not stated): gnomAD 0.00001.

Submission:

Ambry Genetics
Classification: Uncertain significance. Last evaluated: 2025-11-16. Review status: criteria provided, single submitter. Criteria: Ambry Variant Classification Scheme 2023. Collection method: clinical testing. Allele origin: germline.
Comment: The p.H575Y variant (also known as c.1723C>T), located in coding exon 1 of the MLH3 gene, results from a C to T substitution at nucleotide position 1723. The histidine at codon 575 is replaced by tyrosine, an amino acid with similar properties. This amino acid position is conserved. In addition, this alteration is predicted to be tolerated by in silico analysis. Since supporting evidence is limited at this time, the clinical significance of this alteration remains unclear.

NM_001040108.2(MLH3):c.1723C>T (p.His575Tyr)

Gene: MLH3 (mutL homolog 3; minus strand). Cytogenetic location: 14q24.3.
Variant type: single nucleotide variant.
Coding change: c.1723C>T on transcript NM_001040108.2 (MANE Select); coding-DNA position 1723, C replaced by T.
Protein change: p.His575Tyr; replaces histidine 575 with tyrosine.
Molecular consequence: missense variant.
Genome position (GRCh38, 1-based): chr14:75,047,933, G>A on the plus strand (C>T on the coding strand, the complement: MLH3 is on the minus strand). VCF-style: chr14-75047933-G-A. GRCh37 (hg19) VCF-style: chr14-75514636-G-A.
Other names: c.1723C>T, p.His575Tyr (NM_014381.3); short protein forms H575Y.
Identifiers: ClinVar variation 2625645 (VCV002625645.3), dbSNP rs1892374060, ClinGen allele CA390444552.